The following is an entry in ClinVar:

ClinVar aggregate classification (germline): Uncertain significance. Review status: criteria provided, multiple submitters, no conflicts (2 of 4 stars). 3 submissions from 3 submitters: Uncertain significance (3). Last evaluated 2024-03-25.

Conditions:
Pulmonary fibrosis and/or bone marrow failure syndrome, telomere-related, 9 (PFBMFT9). Identifiers: MedGen C5830560, MONDO:0957294, OMIM 620400.
Cataracts, hearing impairment, nephrotic syndrome, and enterocolitis 2 (CHINE2). Identifiers: MedGen C5830590, MONDO:0958193, OMIM 620425.
Dyskeratosis congenita, autosomal recessive 1. Identifiers: Orphanet 1775, MedGen C1857144, MONDO:0009136, OMIM 224230.

Allele frequency attached by ClinVar (database versions not stated): gnomAD 0.00002; gnomAD exomes 0.00002 and 0.00003; TOPMed 0.00003; ExAC 0.00004; ESP Exome Variant Server 0.00008.
gnomAD v4.1: 39 of 1,614,008 alleles (0.0024%); highest among the groups gnomAD compares: Middle Eastern, 0.016%; no homozygotes.

Submissions (3):

Fulgent Genetics
Classification: Uncertain significance for Dyskeratosis congenita, autosomal recessive 1; Pulmonary fibrosis and/or bone marrow failure syndrome, telomere-related, 9; Cataracts, hearing impairment, nephrotic syndrome, and enterocolitis 2. Last evaluated: 2024-03-25. Review status: criteria provided, single submitter. Criteria: ACMG Guidelines, 2015. Collection method: clinical testing. Allele origin: germline.

Labcorp Genetics (formerly Invitae), Labcorp
Classification: Uncertain significance for Dyskeratosis congenita, autosomal recessive 1. Last evaluated: 2022-09-07. Review status: criteria provided, single submitter. Criteria: Invitae Variant Classification Sherloc (09022015). Collection method: clinical testing. Allele origin: germline.
Comment: This sequence change replaces glycine, which is neutral and non-polar, with arginine, which is basic and polar, at codon 11 of the NOP10 protein (p.Gly11Arg). This variant is present in population databases (rs370894572, gnomAD 0.004%). This variant has not been reported in the literature in individuals affected with NOP10-related conditions. ClinVar contains an entry for this variant (Variation ID: 1054213). Algorithms developed to predict the effect of missense changes on protein structure and function are either unavailable or do not agree on the potential impact of this missense change (SIFT: "Tolerated"; PolyPhen-2: "Possibly Damaging"; Align-GVGD: "Class C0"). In summary, the available evidence is currently insufficient to determine the role of this variant in disease. Therefore, it has been classified as a Variant of Uncertain Significance.

Blueprint Genetics
Classification: Uncertain significance. Last evaluated: 2018-12-14. Review status: criteria provided, single submitter. Criteria: ACMG Guidelines, 2015. Collection method: clinical testing. Allele origin: germline.

NM_018648.4(NOP10):c.31G>A (p.Gly11Arg)

Gene: NOP10 (NOP10 ribonucleoprotein; minus strand). Cytogenetic location: 15q14.
Variant type: single nucleotide variant.
Coding change: c.31G>A on transcript NM_018648.4 (MANE Select); coding-DNA position 31, G replaced by A.
Protein change: p.Gly11Arg; replaces glycine 11 with arginine.
Molecular consequence: missense variant.
Genome position (GRCh38, 1-based): chr15:34,343,043, C>T on the plus strand (G>A on the coding strand, the complement: NOP10 is on the minus strand). VCF-style: chr15-34343043-C-T. GRCh37 (hg19) VCF-style: chr15-34635244-C-T.
Other names: short protein forms G11R.
Identifiers: ClinVar variation 1054213 (VCV001054213.8), dbSNP rs370894572, ClinGen allele CA7464816.